The following is an entry in ClinVar:

NM_002526.4(NT5E):c.1503G>A (p.Leu501=)

Gene: NT5E (5'-nucleotidase ecto; plus strand). Cytogenetic location: 6q14.3.
Variant type: single nucleotide variant.
Coding change: c.1503G>A on transcript NM_002526.4 (MANE Select); coding-DNA position 1503, G replaced by A.
Protein change: p.Leu501=; no amino-acid change (leucine 501 retained).
Molecular consequence: synonymous variant.
Genome position (GRCh38, 1-based): chr6:85,492,119, G>A. VCF-style: chr6-85492119-G-A. GRCh37 (hg19) VCF-style: chr6-86201837-G-A.
Other names: c.1353G>A, p.Leu451= (NM_001204813.2).
Identifiers: ClinVar variation 3054378 (VCV003054378.2), dbSNP rs139343924, ClinGen allele CA3911664.

ClinVar aggregate classification (germline): Likely benign (0 of 4 stars; one submission).

Conditions:
NT5E-related disorder. Also called: NT5E-related condition.

Allele frequency attached by ClinVar (database versions not stated): ExAC 0.00006; ESP Exome Variant Server 0.00023; TOPMed 0.00033; 1000 Genomes Project 0.00080; 1000 Genomes Project 30x 0.00094.

Submission:

PreventionGenetics, part of Exact Sciences
Classification: Likely benign for NT5E-related condition. Last evaluated: 2020-12-09. Review status: no assertion criteria provided. Collection method: clinical testing. Allele origin: germline.
Comment: This variant is classified as likely benign based on ACMG/AMP sequence variant interpretation guidelines (Richards et al. 2015 PMID: 25741868, with internal and published modifications).